The following is an entry in ClinVar:

ClinVar aggregate classification (germline): Likely benign. Review status: criteria provided, multiple submitters, no conflicts (2 of 4 stars). 3 submissions from 3 submitters: Likely benign (3). Last evaluated 2025-11-23.

Allele frequency attached by ClinVar (database versions not stated): ExAC 0.00006; gnomAD 0.00012; TOPMed 0.00012; gnomAD exomes 0.00013 and 0.00035; ESP Exome Variant Server 0.00023.
gnomAD v4.1: 521 of 1,613,712 alleles (0.032%); highest among the groups gnomAD compares: Non-Finnish European, 0.042%; 1 homozygote.

Submissions (3):

Labcorp Genetics (formerly Invitae), Labcorp
Classification: Likely benign. Last evaluated: 2025-11-23. Review status: criteria provided, single submitter. Criteria: Invitae Variant Classification Sherloc (09022015). Collection method: clinical testing. Allele origin: germline.

Mayo Clinic Laboratories, Mayo Clinic
Classification: Likely benign. Last evaluated: 2025-06-09. Review status: criteria provided, single submitter. Criteria: ACMG Guidelines, 2015. Collection method: clinical testing. Allele origin: germline. Observed: 1 variant allele.
Comment: BP4, BP7, PM2_supporting

Blueprint Genetics
Classification: Likely benign. Last evaluated: 2024-11-11. Review status: criteria provided, single submitter. Criteria: ACMG Guidelines, 2015. Collection method: clinical testing. Allele origin: germline.

NM_014822.4(SEC24D):c.2850A>G (p.Ala950=)

Gene: SEC24D (SEC24 homolog D, COPII component; minus strand). Cytogenetic location: 4q26.
Variant type: single nucleotide variant.
Coding change: c.2850A>G on transcript NM_014822.4 (MANE Select); coding-DNA position 2850, A replaced by G.
Protein change: p.Ala950=; no amino-acid change (alanine 950 retained).
Molecular consequence: synonymous variant.
Genome position (GRCh38, 1-based): chr4:118,731,334, T>C on the plus strand (A>G on the coding strand, the complement: SEC24D is on the minus strand). VCF-style: chr4-118731334-T-C. GRCh37 (hg19) VCF-style: chr4-119652489-T-C.
Other names: p.Ala950=; c.2853A>G, p.Ala951= (NM_001318066.2).
Identifiers: ClinVar variation 796018 (VCV000796018.9), dbSNP rs146754256, ClinGen allele CA3056867.